The following is an entry in ClinVar:

NM_000059.4(BRCA2):c.5869A>G (p.Ile1957Val)

Gene: BRCA2 (BRCA2 DNA repair associated; plus strand). Cytogenetic location: 13q13.1.
Variant type: single nucleotide variant.
Coding change: c.5869A>G on transcript NM_000059.4 (MANE Select); coding-DNA position 5869, A replaced by G.
Protein change: p.Ile1957Val; replaces isoleucine 1957 with valine.
Molecular consequence: missense variant.
Genome position (GRCh38, 1-based): chr13:32,340,224, A>G. VCF-style: chr13-32340224-A-G. GRCh37 (hg19) VCF-style: chr13-32914361-A-G.
Other names: p.I1957V:ATA>GTA; short protein forms I1957V.
Identifiers: ClinVar variation 51957 (VCV000051957.78), dbSNP rs80358817, ClinGen allele CA023323.

ClinVar aggregate classification (germline): Conflicting classifications of pathogenicity. Review status: criteria provided, conflicting classifications (1 of 4 stars). 15 submissions from 15 submitters: Uncertain significance (6); Likely benign (6). 3 of the submissions do not count toward it. Last evaluated 2026-08-25.

Conditions:
BRCA2-related cancer predisposition. Identifiers: MedGen CN377758, MONDO:0700269.
BRCA2-related disorder. Also called: BRCA2-related condition; BRCA2-related disorders. Identifiers: MedGen CN239275.
Hereditary cancer-predisposing syndrome. Also called: Hereditary Cancer Syndrome; Tumor predisposition; Neoplastic Syndromes, Hereditary; Hereditary neoplastic syndrome. Identifiers: Orphanet 140162, MedGen C0027672, MeSH D009386, MONDO:0015356.
Hereditary breast ovarian cancer syndrome. Also called: Breast and ovarian cancer; BRCA1- and BRCA2-Associated Hereditary Breast and Ovarian Cancer; Hereditary breast and ovarian cancer; Hereditary breast and ovarian cancer syndrome (HBOC); Hereditary breast and ovarian cancer syndrome; Hereditary breast and/or ovarian cancer syndrome. Identifiers: Orphanet 145, MedGen C0677776, MeSH D061325, MONDO:0003582. Disease mechanism: loss of function.
Breast-ovarian cancer, familial, susceptibility to, 2 (BROVCA2). Also called: BRCA2 Hereditary Breast and Ovarian Cancer. Identifiers: Orphanet 145, MedGen C2675520, MONDO:0012933, OMIM 612555. Disease mechanism: loss of function.

Allele frequency attached by ClinVar (database versions not stated): ExAC 0.00001; gnomAD exomes 0.00002 and 0.00005; gnomAD 0.00004; TOPMed 0.00003.
gnomAD v4.1: 81 of 1,613,864 alleles (0.005%); highest among the groups gnomAD compares: Non-Finnish European, 0.0067%; no homozygotes.

Submissions 1 to 10 of 15:

PreventionGenetics, part of Exact Sciences
Classification: Uncertain significance for BRCA2-related condition. Last evaluated: 2026-08-25. Review status: criteria provided, single submitter. Criteria: ACMG Guidelines, 2015. Collection method: clinical testing. Allele origin: germline.
Comment: The BRCA2 c.5869A>G variant is predicted to result in the amino acid substitution p.Ile1957Val. This variant has been reported in individuals with a personal or family history of breast and/or ovarian cancer, however it has also been observed in controls (Schenkel et al. 2016. PubMed ID: 27376475; Table S4, Bhai et al. 2021. PubMed ID: 34326862; Supplementary Data, Breast Cancer Association Consortium et al. 2021. PubMed ID: 33471991). This variant is reported in 0.0039% of alleles in individuals of European (Non-Finnish) descent in gnomAD and has conflicting interpretations of likely benign and uncertain significance in ClinVar (Variation ID: 51957). At this time, the clinical significance of this variant is uncertain due to the absence of conclusive functional and genetic evidence.

Labcorp Genetics (formerly Invitae), Labcorp
Classification: Uncertain significance for Hereditary breast ovarian cancer syndrome. Last evaluated: 2026-02-01. Review status: criteria provided, single submitter. Criteria: Invitae Variant Classification Sherloc (09022015). Collection method: clinical testing. Allele origin: germline.
Comment: This sequence change replaces isoleucine, which is neutral and non-polar, with valine, which is neutral and non-polar, at codon 1957 of the BRCA2 protein (p.Ile1957Val). This variant is present in population databases (rs80358817, gnomAD 0.004%). This missense change has been observed in individual(s) with hereditary breast and ovarian cancer (PMID: 21702907, 27376475, 34326862). ClinVar contains an entry for this variant (Variation ID: 51957). Invitae Evidence Modeling of protein sequence and biophysical properties (such as structural, functional, and spatial information, amino acid conservation, physicochemical variation, residue mobility, and thermodynamic stability) indicates that this missense variant is not expected to disrupt BRCA2 protein function with a negative predictive value of 95%. RNA analysis performed to evaluate the impact of this missense change on mRNA splicing indicates it does not significantly alter splicing (internal data). In summary, the available evidence is currently insufficient to determine the role of this variant in disease. Therefore, it has been classified as a Variant of Uncertain Significance.

Women's Health and Genetics/Laboratory Corporation of America, LabCorp
Classification: Uncertain significance. Last evaluated: 2025-08-28. Review status: criteria provided, single submitter. Criteria: LabCorp Variant Classification Summary - May 2015. Collection method: clinical testing. Allele origin: germline.
Comment: Variant summary: BRCA2 c.5869A>G (p.Ile1957Val) results in a conservative amino acid change in the encoded protein sequence. Algorithms developed to predict the effect of missense changes on protein structure and function all suggest that this variant is likely to be tolerated. The variant allele was found at a frequency of 1.6e-05 in 250986 control chromosomes. The available data on variant occurrences in the general population are insufficient to allow any conclusion about variant significance. c.5869A>G has been observed in individuals affected with breast and/or ovarian cancer, but was also found in controls (e.g., Schenkel_2016, Bhai_2021, Dorling_2021). These reports do not provide unequivocal conclusions about association of the variant with Hereditary Breast And Ovarian Cancer Syndrome. To our knowledge, no experimental evidence demonstrating an impact on protein function has been reported. A recent study, leveraging data from 1472 patients, classified the variant as benign (Fortuno_2024). The following publications have been ascertained in the context of this evaluation (PMID: 34326862, 21702907, 20167696, 27376475, 33471991, 39402389). ClinVar contains an entry for this variant (Variation ID: 51957). Based on the evidence outlined above, the variant was classified as VUS-possibly benign.

All of Us Research Program, National Institutes of Health
Classification: Likely benign for BRCA2-related cancer predisposition. Last evaluated: 2024-09-23. Review status: criteria provided, single submitter. Criteria: ACMG Guidelines, 2015. Collection method: clinical testing. Allele origin: germline. Inheritance: Autosomal dominant inheritance. Observed: 10 variant alleles, 10 heterozygotes.
Comment: This study involves interpretation of variants in research participants for the purpose of population health screening. Participant phenotype was not available at the time of variant classification. Additional details can be found in publication PMID: 35346344, PMCID: PMC8962531

Molecular Pathology, Peter Maccallum Cancer Centre
Classification: Likely benign for Breast-ovarian cancer, familial, susceptibility to, 2. Last evaluated: 2024-05-27. Review status: criteria provided, single submitter. Criteria: ACMG Guidelines, 2015. Collection method: clinical testing. Allele origin: germline. Inheritance: Autosomal dominant inheritance.

Quest Diagnostics Nichols Institute San Juan Capistrano
Classification: Uncertain significance. Last evaluated: 2024-03-21. Review status: criteria provided, single submitter. Criteria: Quest Diagnostics criteria. Collection method: clinical testing. Allele origin: unknown.
Comment: The BRCA2 c.5869A>G (p.Ile1957Val) variant has been reported in the published literature in individuals with breast and/or ovarian cancer (PMID: 34326862 (2021), 27376475 (2016)). This variant is also reported to be located in a region of the BRCA2 gene that is tolerant to missense sequence changes (PMID: 31911673 (2020)). The frequency of this variant in the general population, 0.000039 (5/128968 chromosomes (Genome Aggregation Database)), is uninformative in the assessment of its pathogenicity. Analysis of this variant using bioinformatics tools for the prediction of the effect of amino acid changes on protein structure and function yielded predictions that this variant is benign. Additional analysis using software algorithms for the prediction of the effect of nucleotide changes on BRCA2 mRNA splicing yielded predictions that this variant may result in the gain of a cryptic splice site without affecting the natural splice sites. Based on the available information, we are unable to determine the clinical significance of this variant.

University of Washington Department of Laboratory Medicine, University of Washington
Classification: Likely benign for Hereditary cancer-predisposing syndrome. Last evaluated: 2023-03-23. Review status: criteria provided, single submitter. Criteria: Dines et al. (Genet Med. 2020). Collection method: curation. Allele origin: germline.
Comment: Missense variant in a coldspot region where missense variants are very unlikely to be pathogenic (PMID:31911673).

BRCA2 exon 11 coldspot. Reclassification based on statistical prior probability.

Ambry Genetics
Classification: Likely benign for Hereditary cancer-predisposing syndrome. Last evaluated: 2021-04-26. Review status: criteria provided, single submitter. Criteria: Ambry Variant Classification Scheme 2023. Collection method: clinical testing. Allele origin: germline.

ARUP Laboratories, Molecular Genetics and Genomics, ARUP Laboratories
Classification: Uncertain significance. Last evaluated: 2019-06-20. Review status: criteria provided, single submitter. Criteria: ARUP Molecular Germline Variant Investigation Process. Collection method: clinical testing. Allele origin: germline.
Comment: The BRCA2 c.5869A>G; p.Ile1957Val variant (rs80358817) has been reported in at least one individual affected with hereditary breast and ovarian cancer (Schenkel 2016). It is reported as a variant of unknown significance by several laboratories in ClinVar (Variation ID: 51957) and observed in the European population at an overall frequency of 0.004% (5/126572) in the Genome Aggregation Database. The isoleucine at codon 1957 and computational algorithms (PolyPhen-2, SIFT) predict that this variant does not affect protein structure and/or function. Splice predictors (Alamut v.2.11) predict that this variant creates a cryptic donor splice site, but functional mRNA studies are necessary to determine the effect of this variant on splicing. Due to limited information regarding this variant, its clinical significance cannot be determined with certainty. References: Schenkel L et al. Clinical Next-Generation Sequencing Pipeline Outperforms a Combined Approach Using Sanger Sequencing and Multiplex Ligation-Dependent Probe Amplification in Targeted Gene Panel Analysis. J Mol Diagn. 2016 Sep;18(5):657-667.

GeneDx
Classification: Likely benign. Last evaluated: 2018-02-19. Review status: criteria provided, single submitter. Criteria: GeneDx Variant Classification (06012015). Collection method: clinical testing. Allele origin: germline. Affected: yes.
Comment: This variant is considered likely benign or benign based on one or more of the following criteria: it is a conservative change, it occurs at a poorly conserved position in the protein, it is predicted to be benign by multiple in silico algorithms, and/or has population frequency not consistent with disease.